The following is an entry in ClinVar:

NM_001244008.2(KIF1A):c.4012T>G (p.Phe1338Val)

Gene: KIF1A (kinesin family member 1A; minus strand). Cytogenetic location: 2q37.3.
Variant type: single nucleotide variant.
Coding change: c.4012T>G on transcript NM_001244008.2 (MANE Select); coding-DNA position 4012, T replaced by G.
Protein change: p.Phe1338Val; replaces phenylalanine 1338 with valine.
Molecular consequence: missense variant.
Genome position (GRCh38, 1-based): chr2:240,726,936, A>C on the plus strand (T>G on the coding strand, the complement: KIF1A is on the minus strand). VCF-style: chr2-240726936-A-C. GRCh37 (hg19) VCF-style: chr2-241666353-A-C.
Other names: c.3736T>G, p.Phe1246Val (NM_001320705.2, NM_001379649.1); c.3763T>G, p.Phe1255Val (NM_001330289.2); c.3811T>G, p.Phe1271Val (NM_001330290.2, NM_001379648.1); c.4087T>G, p.Phe1363Val (NM_001379631.1); c.3988T>G, p.Phe1330Val (NM_001379632.1); c.3985T>G, p.Phe1329Val (NM_001379633.1, NM_001379645.1); c.3838T>G, p.Phe1280Val (NM_001379634.1); c.3835T>G, p.Phe1279Val (NM_001379635.1, NM_001379646.1); and 7 more; short protein forms F1236V, F1237V, F1245V, F1246V, F1254V, F1255V, F1262V, F1271V.
Identifiers: ClinVar variation 3753695 (VCV003753695.2).

ClinVar aggregate classification (germline): Uncertain significance (1 of 4 stars; one submission).

Conditions:
Neuropathy, hereditary sensory, type 2C. Also called: KIF1A-Related HSAN2 (HSAN2C); Hereditary sensory and autonomic neuropathy type IIC. Identifiers: Orphanet 970, MedGen C3280168, MONDO:0013634, OMIM 614213.
Hereditary spastic paraplegia 30. Identifiers: Orphanet 101010, MedGen C5235139, MONDO:0012476.
Intellectual disability, autosomal dominant 9 (NESCAVS). Also called: KIF1A-Related Neurodevelopmental Disorder; NESCAV SYNDROME. Identifiers: Orphanet 662367, MedGen C5393830, MONDO:0013656, OMIM 614255.

Submission:

Labcorp Genetics (formerly Invitae), Labcorp
Classification: Uncertain significance for Hereditary spastic paraplegia 30; Neuropathy, hereditary sensory, type 2C; Intellectual disability, autosomal dominant 9. Last evaluated: 2024-06-11. Review status: criteria provided, single submitter. Criteria: Invitae Variant Classification Sherloc (09022015). Collection method: clinical testing. Allele origin: germline.
Comment: This sequence change replaces phenylalanine, which is neutral and non-polar, with valine, which is neutral and non-polar, at codon 1237 of the KIF1A protein (p.Phe1237Val). This variant is not present in population databases (gnomAD no frequency). This variant has not been reported in the literature in individuals affected with KIF1A-related conditions. Advanced modeling of protein sequence and biophysical properties (such as structural, functional, and spatial information, amino acid conservation, physicochemical variation, residue mobility, and thermodynamic stability) performed at Invitae indicates that this missense variant is not expected to disrupt KIF1A protein function with a negative predictive value of 95%. In summary, the available evidence is currently insufficient to determine the role of this variant in disease. Therefore, it has been classified as a Variant of Uncertain Significance.